The following is an entry in ClinVar:

ClinVar aggregate classification (germline): Uncertain significance (1 of 4 stars; one submission).

Allele frequency attached by ClinVar (database versions not stated): TOPMed 0.00001.
gnomAD v4.1: 2 of 1,564,784 alleles (0.00013%); highest among the groups gnomAD compares: African/African-American, 0.0028%; no homozygotes.

Submission:

Labcorp Genetics (formerly Invitae), Labcorp
Classification: Uncertain significance. Last evaluated: 2022-02-22. Review status: criteria provided, single submitter. Criteria: Invitae Variant Classification Sherloc (09022015). Collection method: clinical testing. Allele origin: germline.
Comment: This sequence change replaces alanine, which is neutral and non-polar, with threonine, which is neutral and polar, at codon 414 of the PNPT1 protein (p.Ala414Thr). This variant is not present in population databases (gnomAD no frequency). This variant has not been reported in the literature in individuals affected with PNPT1-related conditions. Advanced modeling of protein sequence and biophysical properties (such as structural, functional, and spatial information, amino acid conservation, physicochemical variation, residue mobility, and thermodynamic stability) performed at Invitae indicates that this missense variant is expected to disrupt PNPT1 protein function. In summary, the available evidence is currently insufficient to determine the role of this variant in disease. Therefore, it has been classified as a Variant of Uncertain Significance.

NM_033109.5(PNPT1):c.1240G>A (p.Ala414Thr)

Gene: PNPT1 (polyribonucleotide nucleotidyltransferase 1; minus strand). Cytogenetic location: 2p16.1.
Variant type: single nucleotide variant.
Coding change: c.1240G>A on transcript NM_033109.5 (MANE Select); coding-DNA position 1240, G replaced by A.
Protein change: p.Ala414Thr; replaces alanine 414 with threonine.
Molecular consequence: missense variant.
Genome position (GRCh38, 1-based): chr2:55,661,963, C>T on the plus strand (G>A on the coding strand, the complement: PNPT1 is on the minus strand). VCF-style: chr2-55661963-C-T. GRCh37 (hg19) VCF-style: chr2-55889098-C-T.
Other names: short protein forms A414T.
Identifiers: ClinVar variation 1941177 (VCV001941177.2), dbSNP rs1696591927, ClinGen allele CA346928377.
Genomic context (GRCh38, chr2:55,661,963, plus strand): 5'-TTATATAATAGAACATCATAAAACGTAACAAACATCTTAAAAACATAACTTACTTTATAG[C>T]TGTTATAACTTGATCTGACTTAATACCAGATTCTAATGAATCAAATGTAACGGTACAAAG-3'
Protein context (NP_149100.2, residues 404-424): SGIKSDQVIT[Ala414Thr]INGIKDKNFM